The following is an entry in ClinVar:

ClinVar aggregate classification (germline): Benign. Review status: criteria provided, multiple submitters, no conflicts (2 of 4 stars). 5 submissions from 5 submitters: Benign (5). Last evaluated 2024-06-13.

Conditions:
Autoimmune lymphoproliferative syndrome, type III caused by mutation in PRKCD. Identifiers: Orphanet 3261, Orphanet 664711, MedGen C3809928, MONDO:8000024, OMIM 615559.

Allele frequency attached by ClinVar (database versions not stated): ESP Exome Variant Server 0.55198; 1000 Genomes Project 30x 0.56137; 1000 Genomes Project 0.56589; TOPMed 0.56664; gnomAD exomes 0.65337; ExAC 0.66011.

Submissions (5):

Labcorp Genetics (formerly Invitae), Labcorp
Classification: Benign for Autoimmune lymphoproliferative syndrome, type III caused by mutation in PRKCD. Last evaluated: 2024-06-13. Review status: criteria provided, single submitter. Criteria: Invitae Variant Classification Sherloc (09022015). Collection method: clinical testing. Allele origin: germline.

Unidad de Genómica Garrahan, Hospital de Pediatría Garrahan
Classification: Benign. Last evaluated: 2023-11-12. Review status: criteria provided, single submitter. Criteria: ACMG Guidelines, 2015. Collection method: clinical testing. Allele origin: germline. Affected: no. Observed: 89 variant alleles.
Comment: This variant is classified as Benign based on local population frequency. This variant was detected in 93% of patients studied by a panel of primary immunodeficiencies. Number of patients: 89. Only high quality variants are reported.

Genome-Nilou Lab
Classification: Benign for Autoimmune lymphoproliferative syndrome, type III caused by mutation in PRKCD. Last evaluated: 2021-10-25. Review status: criteria provided, single submitter. Criteria: ACMG Guidelines, 2015. Collection method: clinical testing. Allele origin: germline. Affected: no.

GeneDx
Classification: Benign. Last evaluated: 2021-05-14. Review status: criteria provided, single submitter. Criteria: GeneDx Variant Classification Process June 2021. Collection method: clinical testing. Allele origin: germline. Affected: yes.

Breakthrough Genomics
Classification: Benign. Review status: criteria provided, single submitter. Criteria: ACMG Guidelines, 2015. Collection method: not provided. Allele origin: germline. Inheritance: Autosomal recessive inheritance. Affected: yes.

NM_006254.4(PRKCD):c.115+21C>G

Gene: PRKCD (protein kinase C delta; plus strand). Cytogenetic location: 3p21.1.
Variant type: single nucleotide variant.
Coding change: c.115+21C>G on transcript NM_006254.4 (MANE Select); 21 bases into the intron after coding-DNA position 115, C replaced by G.
Molecular consequence: intron variant.
Genome position (GRCh38, 1-based): chr3:53,178,558, C>G. VCF-style: chr3-53178558-C-G. GRCh37 (hg19) VCF-style: chr3-53212574-C-G.
Other names: c.115+21C>G (NM_001354680.2, NM_001354679.2, NM_212539.2 and 1 more transcripts); c.172+21C>G (NM_001354676.2); c.163+21C>G (NM_001354678.2).
Identifiers: ClinVar variation 1273777 (VCV001273777.9), dbSNP rs2306571, ClinGen allele CA2451645.